The following is an entry in ClinVar:

ClinVar aggregate classification (germline): Pathogenic (1 of 4 stars; one submission).

Conditions:
Complex neurodevelopmental disorder with motor features. Identifiers: MedGen CN322244, MONDO:0100516.

Submission:

Victorian Clinical Genetics Services, Murdoch Childrens Research Institute
Classification: Pathogenic for Complex neurodevelopmental disorder with motor features. Last evaluated: 2025-11-27. Review status: criteria provided, single submitter. Criteria: ACMG Guidelines, 2015. Collection method: clinical testing. Allele origin: germline. Affected: yes.
Comment: This variant is classified as Pathogenic. Evidence in support of pathogenic classification: Variant is predicted to cause nonsense-mediated decay (NMD) and loss of protein (premature termination codon is located at least 54 nucleotides upstream of the final exon-exon junction); Variant is absent from gnomAD (v2, v3 and v4); Other NMD-predicted variant(s) comparable to the one identified in this case have very strong previous evidence for pathogenicity (DECIPHER); Additional information: This variant is heterozygous; This gene is associated with autosomal dominant disease; Loss of function is a known mechanism of disease in this gene and is associated with childhood-onset dystonia 28 (MIM#617284) and autosomal dominant intellectual developmental disorder 68 (MIM#619934); The condition associated with this gene has incomplete penetrance. Rarely, inheritance from an asymptomatic parent has been reported for missense variants (PMID: 33150406).

Literature cited by the submitters: PubMed 33150406.

NM_014727.3(KMT2B):c.252G>A (p.Trp84Ter)

Gene: KMT2B (lysine methyltransferase 2B; plus strand). Cytogenetic location: 19q13.12.
Variant type: single nucleotide variant.
Coding change: c.252G>A on transcript NM_014727.3 (MANE Select); coding-DNA position 252, G replaced by A.
Protein change: p.Trp84Ter; replaces tryptophan 84 with a stop codon.
Molecular consequence: nonsense.
Genome position (GRCh38, 1-based): chr19:35,718,270, G>A. VCF-style: chr19-35718270-G-A. GRCh37 (hg19) VCF-style: chr19-36209172-G-A.
Other names: short protein forms W84*.
Identifiers: ClinVar variation 4818958 (VCV004818958.1).